The following is an entry in ClinVar:

ClinVar aggregate classification (germline): Uncertain significance. Review status: criteria provided, multiple submitters, no conflicts (2 of 4 stars). 2 submissions from 2 submitters: Uncertain significance (2). Last evaluated 2025-08-08.

Allele frequency attached by ClinVar (database versions not stated): gnomAD 0.00001; gnomAD exomes 0.00006 and 0.00003; ExAC 0.00007; ESP Exome Variant Server 0.00008; TOPMed 0.00003.
gnomAD v4.1: 57 of 1,614,050 alleles (0.0035%); highest among the groups gnomAD compares: Middle Eastern, 0.099%; no homozygotes.

Submissions (2):

Ambry Genetics
Classification: Uncertain significance. Last evaluated: 2025-08-08. Review status: criteria provided, single submitter. Criteria: Ambry Variant Classification Scheme 2023. Collection method: clinical testing. Allele origin: germline.

Labcorp Genetics (formerly Invitae), Labcorp
Classification: Uncertain significance. Last evaluated: 2024-05-22. Review status: criteria provided, single submitter. Criteria: Invitae Variant Classification Sherloc (09022015). Collection method: clinical testing. Allele origin: germline.
Comment: This sequence change replaces glutamine, which is neutral and polar, with glutamic acid, which is acidic and polar, at codon 728 of the DHX32 protein (p.Gln728Glu). This variant is present in population databases (rs150831914, gnomAD 0.009%). This variant has not been reported in the literature in individuals affected with DHX32-related conditions. ClinVar contains an entry for this variant (Variation ID: 1363742). Algorithms developed to predict the effect of missense changes on protein structure and function output the following: SIFT: "Not Available"; PolyPhen-2: "Benign"; Align-GVGD: "Not Available". The glutamic acid amino acid residue is found in multiple mammalian species, which suggests that this missense change does not adversely affect protein function. In summary, the available evidence is currently insufficient to determine the role of this variant in disease. Therefore, it has been classified as a Variant of Uncertain Significance.

NM_018180.3(DHX32):c.2182C>G (p.Gln728Glu)

Genes: BCCIP (BRCA2 and CDKN1A interacting protein; plus strand), DHX32 (DEAH-box helicase 32 (putative); minus strand). Cytogenetic location: 10q26.2.
Variant type: single nucleotide variant.
Coding change: c.2182C>G on transcript NM_018180.3 (MANE Select); coding-DNA position 2182, C replaced by G.
Protein change: p.Gln728Glu; replaces glutamine 728 with glutamic acid.
Molecular consequence: missense variant. On other transcripts: intron variant (2).
Genome position (GRCh38, 1-based): chr10:125,836,737, G>C on the plus strand (C>G on the coding strand, the complement: DHX32 is on the minus strand). VCF-style: chr10-125836737-G-C. GRCh37 (hg19) VCF-style: chr10-127525306-G-C.
Other names: c.774+2791G>C (NM_016567.4, NM_078469.3); short protein forms Q728E.
Identifiers: ClinVar variation 1363742 (VCV001363742.8), dbSNP rs150831914, ClinGen allele CA5738943.